The following is an entry in ClinVar:

ClinVar aggregate classification (germline): Pathogenic (1 of 4 stars; one submission).

Conditions:
Kostmann syndrome (SCN3). Also called: KOSTMANN DISEASE; Autosomal recessive severe congenital neutropenia type 3. Identifiers: Orphanet 99749, MedGen C5235141, MONDO:0012548, OMIM 610738.

Allele frequency attached by ClinVar (database versions not stated): TOPMed below 0.00001.

Submission:

Labcorp Genetics (formerly Invitae), Labcorp
Classification: Pathogenic for Kostmann syndrome. Last evaluated: 2024-01-04. Review status: criteria provided, single submitter. Criteria: Invitae Variant Classification Sherloc (09022015). Collection method: clinical testing. Allele origin: germline.
Comment: This sequence change creates a premature translational stop signal (p.Trp160*) in the HAX1 gene. It is expected to result in an absent or disrupted protein product. Loss-of-function variants in HAX1 are known to be pathogenic (PMID: 17187068). This variant is not present in population databases (gnomAD no frequency). This variant has not been reported in the literature in individuals affected with HAX1-related conditions. ClinVar contains an entry for this variant (Variation ID: 1366366). For these reasons, this variant has been classified as Pathogenic.

Literature cited by the submitters: PubMed 17187068.

NM_006118.4(HAX1):c.480G>A (p.Trp160Ter)

Gene: HAX1 (HCLS1 associated protein X-1; plus strand). Cytogenetic location: 1q21.3.
Variant type: single nucleotide variant.
Coding change: c.480G>A on transcript NM_006118.4 (MANE Select); coding-DNA position 480, G replaced by A.
Protein change: p.Trp160Ter; replaces tryptophan 160 with a stop codon.
Molecular consequence: nonsense.
Genome position (GRCh38, 1-based): chr1:154,273,937, G>A. VCF-style: chr1-154273937-G-A. GRCh37 (hg19) VCF-style: chr1-154246413-G-A.
Other names: c.336G>A, p.Trp112Ter (NM_001018837.2); short protein forms W160*, W112*.
Identifiers: ClinVar variation 1366366 (VCV001366366.6), dbSNP rs1392118289, ClinGen allele CA342592913.